The following is an entry in ClinVar:

NM_003482.4(KMT2D):c.16019G>T (p.Arg5340Leu)

Gene: KMT2D (lysine methyltransferase 2D; minus strand). Cytogenetic location: 12q13.12.
Variant type: single nucleotide variant.
Coding change: c.16019G>T on transcript NM_003482.4 (MANE Select); coding-DNA position 16019, G replaced by T.
Protein change: p.Arg5340Leu; replaces arginine 5340 with leucine.
Molecular consequence: missense variant.
Genome position (GRCh38, 1-based): chr12:49,024,611, C>A on the plus strand (G>T on the coding strand, the complement: KMT2D is on the minus strand). VCF-style: chr12-49024611-C-A. GRCh37 (hg19) VCF-style: chr12-49418394-C-A.
Other names: short protein forms R5340L.
Identifiers: ClinVar variation 3367670 (VCV003367670.3).

ClinVar aggregate classification (germline): Pathogenic. Review status: criteria provided, multiple submitters, no conflicts (2 of 4 stars). 2 submissions from 2 submitters: Pathogenic (2). Last evaluated 2024-11-03.

Conditions:
Kabuki syndrome. Also called: NIIKAWA-KUROKI SYNDROME; Kabuki make-up syndrome. Identifiers: Orphanet 2322, MedGen C0796004, MONDO:0016512.

Submissions (2):

Labcorp Genetics (formerly Invitae), Labcorp
Classification: Pathogenic for Kabuki syndrome. Last evaluated: 2024-11-03. Review status: criteria provided, single submitter. Criteria: Invitae Variant Classification Sherloc (09022015). Collection method: clinical testing. Allele origin: germline.
Comment: This sequence change replaces arginine, which is basic and polar, with leucine, which is neutral and non-polar, at codon 5340 of the KMT2D protein (p.Arg5340Leu). This variant is not present in population databases (gnomAD no frequency). This missense change has been observed in individual(s) with Kabuki syndrome (PMID: 20711175). Invitae Evidence Modeling of protein sequence and biophysical properties (such as structural, functional, and spatial information, amino acid conservation, physicochemical variation, residue mobility, and thermodynamic stability) indicates that this missense variant is expected to disrupt KMT2D protein function with a positive predictive value of 95%. This variant disrupts the p.Arg5340 amino acid residue in KMT2D. Other variant(s) that disrupt this residue have been determined to be pathogenic (PMID: 21658225, 30107592, 35904121). This suggests that this residue is clinically significant, and that variants that disrupt this residue are likely to be disease-causing. For these reasons, this variant has been classified as Pathogenic.

GeneDx
Classification: Pathogenic. Last evaluated: 2024-04-22. Review status: criteria provided, single submitter. Criteria: GeneDx Variant Classification Process June 2021. Collection method: clinical testing. Allele origin: germline. Affected: yes.
Comment: Observed in a patient reported to have Kabuki syndrome in the published literature (PMID: 20711175); In silico analysis supports that this missense variant has a deleterious effect on protein structure/function; Not observed at significant frequency in large population cohorts (gnomAD); This variant is associated with the following publications: (PMID: 21658225, 20711175, 30459467)

Literature cited by the submitters: PubMed 20711175 (cited by Labcorp Genetics (formerly Invitae), Labcorp); PubMed 21658225 (cited by Labcorp Genetics (formerly Invitae), Labcorp); PubMed 30107592 (cited by Labcorp Genetics (formerly Invitae), Labcorp); PubMed 35904121 (cited by Labcorp Genetics (formerly Invitae), Labcorp).